The following is an entry in ClinVar:

NM_152594.3(SPRED1):c.995G>A (p.Arg332His)

Gene: SPRED1 (sprouty related EVH1 domain containing 1; plus strand). Cytogenetic location: 15q14.
Variant type: single nucleotide variant.
Coding change: c.995G>A on transcript NM_152594.3 (MANE Select); coding-DNA position 995, G replaced by A.
Protein change: p.Arg332His; replaces arginine 332 with histidine.
Molecular consequence: missense variant.
Genome position (GRCh38, 1-based): chr15:38,351,324, G>A. VCF-style: chr15-38351324-G-A. GRCh37 (hg19) VCF-style: chr15-38643525-G-A.
Other names: short protein forms R332H.
Identifiers: ClinVar variation 241993 (VCV000241993.12), dbSNP rs779966392, ClinGen allele CA7470216.

ClinVar aggregate classification (germline): Conflicting classifications of pathogenicity. Review status: criteria provided, conflicting classifications (1 of 4 stars). 4 submissions from 4 submitters: Uncertain significance (3); Likely benign (1). Last evaluated 2026-04-09.

Conditions:
SPRED1-related disorder. Also called: SPRED1-related condition.
Cardiovascular phenotype. Identifiers: MedGen CN230736.
Legius syndrome. Identifiers: Orphanet 137605, MedGen C1969623, MONDO:0012669, OMIM 611431. Disease mechanism: loss of function.

Allele frequency attached by ClinVar (database versions not stated): gnomAD 0.00001; gnomAD exomes 0.00001 and 0.00004; TOPMed 0.00003; ExAC 0.00006.
gnomAD v4.1: 15 of 1,613,950 alleles (0.00093%); highest among the groups gnomAD compares: South Asian, 0.0077%; no homozygotes.

Submissions (4):

PreventionGenetics, part of Exact Sciences
Classification: Uncertain significance for SPRED1-related condition. Last evaluated: 2026-04-09. Review status: criteria provided, single submitter. Criteria: ACMG Guidelines, 2015. Collection method: clinical testing. Allele origin: germline.
Comment: The SPRED1 c.995G>A variant is predicted to result in the amino acid substitution p.Arg332His. To our knowledge, this variant has not been reported in the literature. This variant is reported in 0.018% of alleles in individuals of African descent in gnomAD. Although we suspect that this variant may be benign, at this time, the clinical significance of this variant is uncertain due to the absence of conclusive functional and genetic evidence.

Labcorp Genetics (formerly Invitae), Labcorp
Classification: Uncertain significance for Legius syndrome. Last evaluated: 2025-03-10. Review status: criteria provided, single submitter. Criteria: Invitae Variant Classification Sherloc (09022015). Collection method: clinical testing. Allele origin: germline.
Comment: This sequence change replaces arginine, which is basic and polar, with histidine, which is basic and polar, at codon 332 of the SPRED1 protein (p.Arg332His). This variant is present in population databases (rs779966392, gnomAD 0.02%). This variant has not been reported in the literature in individuals affected with SPRED1-related conditions. ClinVar contains an entry for this variant (Variation ID: 241993). Invitae Evidence Modeling incorporating data from in vitro experimental studies (internal data) indicates that this missense variant is not expected to disrupt SPRED1 function with a negative predictive value of 95%. In summary, the available evidence is currently insufficient to determine the role of this variant in disease. Therefore, it has been classified as a Variant of Uncertain Significance.

Ambry Genetics
Classification: Likely benign for Cardiovascular phenotype. Last evaluated: 2025-01-17. Review status: criteria provided, single submitter. Criteria: Ambry Variant Classification Scheme 2023. Collection method: clinical testing. Allele origin: germline.

Women's Health and Genetics/Laboratory Corporation of America, LabCorp
Classification: Uncertain significance. Last evaluated: 2024-07-08. Review status: criteria provided, single submitter. Criteria: LabCorp Variant Classification Summary - May 2015. Collection method: clinical testing. Allele origin: germline.
Comment: Variant summary: SPRED1 c.995G>A (p.Arg332His) results in a non-conservative amino acid change in the encoded protein sequence. Three of five in-silico tools predict a benign effect of the variant on protein function. The variant allele was found at a frequency of 3.6e-05 in 251112 control chromosomes. The available data on variant occurrences in the general population are insufficient to allow any conclusion about variant significance. To our knowledge, no occurrence of c.995G>A in individuals affected with Neurofibromatosis Type 1-Like Syndrome (Legius Syndrome) and no experimental evidence demonstrating its impact on protein function have been reported. ClinVar contains an entry for this variant (Variation ID: 241993). Based on the evidence outlined above, the variant was classified as uncertain significance.